The following is an entry in ClinVar:

ClinVar aggregate classification (germline): Uncertain significance (1 of 4 stars; one submission).

Submission:

GeneDx
Classification: Uncertain significance. Last evaluated: 2023-06-18. Review status: criteria provided, single submitter. Criteria: GeneDx Variant Classification Process June 2021. Collection method: clinical testing. Allele origin: germline. Affected: yes.
Comment: Not observed at significant frequency in large population cohorts (gnomAD); In silico analysis supports that this missense variant has a deleterious effect on protein structure/function; Has not been previously published as pathogenic or benign to our knowledge

NM_000503.6(EYA1):c.1575T>A (p.Asn525Lys)

Gene: EYA1 (EYA transcriptional coactivator and phosphatase 1; minus strand). Cytogenetic location: 8q13.3.
Variant type: single nucleotide variant.
Coding change: c.1575T>A on transcript NM_000503.6 (MANE Select); coding-DNA position 1575, T replaced by A.
Protein change: p.Asn525Lys; replaces asparagine 525 with lysine.
Molecular consequence: missense variant.
Genome position (GRCh38, 1-based): chr8:71,215,409, A>T on the plus strand (T>A on the coding strand, the complement: EYA1 is on the minus strand). VCF-style: chr8-71215409-A-T. GRCh37 (hg19) VCF-style: chr8-72127644-A-T.
Other names: c.1557T>A, p.Asn519Lys (NM_001288574.2, NM_172059.5); c.1209T>A, p.Asn403Lys (NM_001288575.2); c.1662T>A, p.Asn554Lys (NM_001370333.1); c.1575T>A, p.Asn525Lys (NM_001370334.1, NM_001370335.1, NM_172058.4); c.1554T>A, p.Asn518Lys (NM_001370336.1); c.1476T>A, p.Asn492Lys (NM_001411797.1, NM_172060.4); short protein forms N403K, N492K, N518K, N519K, N525K, N554K.
Identifiers: ClinVar variation 3359912 (VCV003359912.1).
Genomic context (GRCh38, chr8:71,215,409, plus strand): 5'-AAGAGCTGATTGTTAAAAAGAAAAGAAAAGCAGCTCACCTATTTTAGTTGCACTGTAAAT[A>T]TTTTCTATTGGAAATACAATTCCTAACCCATACAGCAGGACTTTCGCCAATGCTGGGATG-3'
Protein context (NP_000494.2, residues 515-535): YGLGIVFPIE[Asn525Lys]IYSATKIGKE